The following is an entry in ClinVar:

ClinVar aggregate classification (germline): Pathogenic. Review status: reviewed by expert panel (3 of 4 stars). 6 submissions from 6 submitters: Pathogenic (1). 5 of the submissions do not count toward it. Last evaluated 2025-08-19.

Conditions:
Autosomal recessive limb-girdle muscular dystrophy. Identifiers: Orphanet 102015, MedGen C2931907, MONDO:0015152.
Neuromuscular disease caused by qualitative or quantitative defects of dysferlin. Also called: Dysferlinopathy; Qualitative or quantitative defects of dysferlin. Identifiers: Orphanet 207073, MedGen C2931687, MONDO:0016145.
Miyoshi muscular dystrophy 1 (MMD1). Identifiers: Orphanet 45448, MedGen C4551973, MONDO:0024545, OMIM 254130.
Autosomal recessive limb-girdle muscular dystrophy type 2B (LGMDR2). Also called: MUSCULAR DYSTROPHY, LIMB-GIRDLE, TYPE 3; Limb-Girdle Muscular Dystrophy Type 2B (LGMD2B); Limb-girdle muscular dystrophy, type 2B; MUSCULAR DYSTROPHY, LIMB-GIRDLE, AUTOSOMAL RECESSIVE 2. Identifiers: Orphanet 268, MedGen C1850889, MONDO:0009676, OMIM 253601.

Allele frequency attached by ClinVar (database versions not stated): gnomAD exomes below 0.00001; gnomAD 0.00001.
gnomAD v4.1: 3 of 1,613,734 alleles (0.00019%); highest among the groups gnomAD compares: South Asian, 0.0022%; no homozygotes.

Submissions (6):

ClinGen Limb Girdle Muscular Dystrophy Variant Curation Expert Panel, ClinGen
Classification: Pathogenic for Autosomal recessive limb-girdle muscular dystrophy. Last evaluated: 2025-08-19. Review status: reviewed by expert panel. Criteria: ClinGen LGMD VCEP ACMG Specifications DYSF V2.0.0. Collection method: curation. Allele origin: germline. Inheritance: Autosomal recessive inheritance.
Comment: The NM_003494.4: c.2810+5G>A variant in DYSF, which is also known as NM_001130987.2: c.2864+5G>A, occurs within the splice donor region of intron 26. SpliceAI gives a delta score of 0.92 for loss of the canonical donor and 0.53 for strengthening of a cryptic donor 21 nucleotides into exon 26 (PP3). Skipping of exon 26, which is out of frame, would be expected to introduce a frameshift and premature truncation resulting in nonsense mediated decay whereas use of the cryptic donor would cause an inframe deletion. This variant has been reported in at least nine individuals with features of LGMD or absent dysferlin protein expression (PMID: 34559919, 30564623, 33927379, 27647186; DYSF_000869; ClinVar SCV000769808.7 internal data communication), including in a homozygous state without reported familial consanguinity in 4 patients (1.0 pt; PMID: 34559919, LOVD individual #00305661; ClinVar SCV000769808.7 internal data communication) and confirmed in trans with a likely pathogenic or pathogenic variant (NM_003494.4: c.2875C>T p.(Arg959Trp), 1.0 pt, PMID: 33927379, LOVD individual #00327604) (PM3_Strong). At least one patient with this variant and a second presumed diagnostic DYSF allele displayed progressive limb girdle muscle weakness and absent dysferlin protein expression in skeletal muscle, which is highly specific for DYSF-related LGMD (PMID: 33927379, 27647186; PP4_Strong). The highest population allele frequency for this variant in gnomAD v4.1.0 is 0.00002196 (2/91070 South Asian chromosomes), which is less than the ClinGen LGMD VCEP threshold (≤0.0001) (PM2_Supporting). Another nucleotide change in this splice region, NM_003494.4: c.2810+1G>A, has been reported in association with LGMD and classified by the VCEP as Pathogenic. The c.2810+1G>A variant is predicted to result in the same missplicing events predicted for the c.2810+5G>A variant, and these altered splicing events were confirmed to occur by RNAseq (PS1_Moderate). In summary, this variant meets the criteria to be classified as Pathogenic for autosomal recessive limb girdle muscular dystrophy based on the ACMG/AMP criteria applied, as specified by the ClinGen LGMD VCEP (LGMD VCEP specifications version 2.0.0; 08/19/2025): PP3, PM3_Strong, PP4_Strong, PM2_Supporting, PS1_Moderate.

Labcorp Genetics (formerly Invitae), Labcorp
Classification: Pathogenic for Neuromuscular disease caused by qualitative or quantitative defects of dysferlin. Last evaluated: 2025-04-07. Review status: criteria provided, single submitter. Criteria: Invitae Variant Classification Sherloc (09022015). Collection method: clinical testing. Allele origin: germline. Not counted in ClinVar's aggregate classification.
Comment: This sequence change falls in intron 26 of the DYSF gene. It does not directly change the encoded amino acid sequence of the DYSF protein. It affects a nucleotide within the consensus splice site. This variant is not present in population databases (gnomAD no frequency). This variant has been observed in individuals with DYSF-related conditions (PMID: 27647186, 30564623; internal data). ClinVar contains an entry for this variant (Variation ID: 289245). Variants that disrupt the consensus splice site are a relatively common cause of aberrant splicing (PMID: 17576681, 9536098). Algorithms developed to predict the effect of sequence changes on RNA splicing suggest that this variant may disrupt the consensus splice site. For these reasons, this variant has been classified as Pathogenic.

Natera, Inc.
Classification: Likely pathogenic for Limb-girdle muscular dystrophy type 2B. Last evaluated: 2025-01-22. Review status: criteria provided, single submitter. Criteria: Natera Variant Classification Schema (03/2026). Collection method: clinical testing. Allele origin: germline. Not counted in ClinVar's aggregate classification.
Comment: The c.2810+5G>A variant in DYSF is an intronic variant located outside the canonical splice sites. This variant is rare in the general population with a frequency below the threshold expected for the associated phenotype(s). This variant has been observed in one or more individuals affected with the associated recessive disease, as either homozygous or compound heterozygous with a second variant (PMID: 33927379, 27647186). This variant has been identified in one or more affected individuals with a phenotype highly consistent with the associated gene (PMID: 27647186, 33927379). Computational prediction algorithms indicate this variant is likely to affect gene or protein function. Given the available evidence, this variant is classified as Likely Pathogenic.

Baylor Genetics
Classification: Pathogenic for Miyoshi muscular dystrophy 1. Last evaluated: 2024-01-05. Review status: criteria provided, single submitter. Criteria: ACMG Guidelines, 2015. Collection method: clinical testing. Allele origin: unknown. Not counted in ClinVar's aggregate classification.

Eurofins Ntd Llc (ga)
Classification: Uncertain significance. Last evaluated: 2016-07-11. Review status: criteria provided, single submitter. Criteria: EGL Classification Definitions 2015. Collection method: clinical testing. Allele origin: germline. Observed: 1 variant allele, 1 heterozygote. Not counted in ClinVar's aggregate classification.

Counsyl
Classification: Uncertain significance for Autosomal recessive limb-girdle muscular dystrophy type 2B. Last evaluated: 2017-07-12. Review status: no assertion criteria provided. Collection method: clinical testing. Allele origin: unknown. Not counted in ClinVar's aggregate classification.

Literature cited by the submitters: PubMed 27647186 (cited by 3 submitters); PubMed 30564623 (cited by Labcorp Genetics (formerly Invitae), Labcorp); PubMed 17576681 (cited by Labcorp Genetics (formerly Invitae), Labcorp); PubMed 9536098 (cited by Labcorp Genetics (formerly Invitae), Labcorp); PubMed 33927379 (cited by Natera, Inc.).

NM_001130987.2(DYSF):c.2864+5G>A

Gene: DYSF (dysferlin; plus strand). Cytogenetic location: 2p13.2.
Variant type: single nucleotide variant.
Coding change: c.2864+5G>A on transcript NM_001130987.2 (MANE Select); 5 bases into the intron after coding-DNA position 2864, G replaced by A.
Molecular consequence: intron variant.
Genome position (GRCh38, 1-based): chr2:71,568,343, G>A. VCF-style: chr2-71568343-G-A. GRCh37 (hg19) VCF-style: chr2-71795473-G-A.
Other names: c.2903+5G>A (NM_001130979.2); c.2861+5G>A (NM_001130981.2, NM_001130980.2); c.2810+5G>A (NM_001130978.2, NM_003494.4); c.2768+5G>A (NM_001130977.2, NM_001130976.2); c.2906+5G>A (NM_001130982.2); c.2864+5G>A (NM_001130985.2); c.2813+5G>A (NM_001130983.2, NM_001130455.2); c.2771+5G>A (NM_001130984.2, NM_001130986.2).
Identifiers: ClinVar variation 289245 (VCV000289245.16), dbSNP rs886044131, ClinGen allele CA10606385.